The following is an entry in ClinVar:

ClinVar aggregate classification (germline): Conflicting classifications of pathogenicity. Review status: criteria provided, conflicting classifications (1 of 4 stars). 4 submissions from 4 submitters: Likely pathogenic (3); Uncertain significance (1). Last evaluated 2025-04-17.

Conditions:
Inborn genetic diseases. Identifiers: MedGen C0950123, MeSH D030342.
Wilson disease (WND). Also called: Wilson's disease. Identifiers: Orphanet 905, MedGen C0019202, MONDO:0010200, OMIM 277900. Disease mechanism: loss of function.

Submissions (4):

Natera, Inc.
Classification: Likely pathogenic for Wilson disease. Last evaluated: 2025-04-17. Review status: criteria provided, single submitter. Criteria: Natera Variant Classification Schema (03/2026). Collection method: clinical testing. Allele origin: germline.
Comment: The c.2732C>T variant in ATP7B is a missense variant predicted to cause substitution of alanine to valine at amino acid 911. This variant is rare in the general population with a frequency below the threshold expected for the associated phenotype(s). This variant has been observed in one or more individuals affected with the associated recessive disease, as either homozygous or compound heterozygous with a second variant (PMID: 30232804). This variant has been identified in one or more affected individual with a phenotype highly consistent with the associated gene (PMID:30232804). Computational prediction algorithms indicate this variant is likely to affect gene or protein function. Given the available evidence, this variant is classified as Likely Pathogenic.

Fulgent Genetics
Classification: Likely pathogenic for Wilson disease. Last evaluated: 2024-03-03. Review status: criteria provided, single submitter. Criteria: ACMG Guidelines, 2015. Collection method: clinical testing. Allele origin: germline.

Labcorp Genetics (formerly Invitae), Labcorp
Classification: Uncertain significance for Wilson disease. Last evaluated: 2022-01-22. Review status: criteria provided, single submitter. Criteria: Invitae Variant Classification Sherloc (09022015). Collection method: clinical testing. Allele origin: germline.
Comment: This sequence change replaces alanine, which is neutral and non-polar, with valine, which is neutral and non-polar, at codon 911 of the ATP7B protein (p.Ala911Val). This variant is not present in population databases (gnomAD no frequency). This variant has not been reported in the literature in individuals affected with ATP7B-related conditions. Algorithms developed to predict the effect of missense changes on protein structure and function (SIFT, PolyPhen-2, Align-GVGD) all suggest that this variant is likely to be disruptive. Algorithms developed to predict the effect of sequence changes on RNA splicing suggest that this variant may create or strengthen a splice site. In summary, the available evidence is currently insufficient to determine the role of this variant in disease. Therefore, it has been classified as a Variant of Uncertain Significance.

Ambry Genetics
Classification: Likely pathogenic for Inborn genetic diseases. Last evaluated: 2017-06-08. Review status: criteria provided, single submitter. Criteria: Ambry Variant Classification Scheme 2023. Collection method: clinical testing. Allele origin: germline.
Comment: The p.A911V variant (also known as c.2732C>T), located in coding exon 12 of the ATP7B gene, results from a C to T substitution at nucleotide position 2732. The alanine at codon 911 is replaced by valine, an amino acid with similar properties. This amino acid position is highly conserved in available vertebrate species. In addition, this alteration is predicted to be deleterious by in silico analysis. Based on the majority of available evidence to date, this variant is likely to be pathogenic.

Literature cited by the submitters: PubMed 30232804 (cited by Natera, Inc.).

NM_000053.4(ATP7B):c.2732C>T (p.Ala911Val)

Gene: ATP7B (ATPase copper transporting beta; minus strand). Cytogenetic location: 13q14.3.
Variant type: single nucleotide variant.
Coding change: c.2732C>T on transcript NM_000053.4 (MANE Select); coding-DNA position 2732, C replaced by T.
Protein change: p.Ala911Val; replaces alanine 911 with valine.
Molecular consequence: missense variant. On other transcripts: intron variant (1).
Genome position (GRCh38, 1-based): chr13:51,949,795, G>A on the plus strand (C>T on the coding strand, the complement: ATP7B is on the minus strand). VCF-style: chr13-51949795-G-A. GRCh37 (hg19) VCF-style: chr13-52523931-G-A.
Other names: c.2399C>T, p.Ala800Val (NM_001243182.2); c.2498C>T, p.Ala833Val (NM_001330578.2); c.2480C>T, p.Ala827Val (NM_001330579.2); c.2244+212C>T (NM_001005918.3); short protein forms A800V, A827V, A833V, A911V.
Identifiers: ClinVar variation 1521747 (VCV001521747.7), dbSNP rs1014184765, ClinGen allele CA250084964.
Genomic context (GRCh38, chr13:51,949,795, plus strand): 5'-ATGATGATGATAAATGGGACAAAATATCCACTAAACCGGTCAGCCAGCTGCTGAATGGGT[G>A]CCTATGAAAATAAAACACCAAGACCATGGGAAATTACAACCTATGAAGAAATAAAACACC-3'
Protein context (NP_000044.2, residues 901-921): KLVEEAQMSK[Ala911Val]PIQQLADRFS